The following is an entry in ClinVar:

NM_001939.3(DRP2):c.445A>T (p.Met149Leu)

Gene: DRP2 (dystrophin related protein 2; plus strand). Cytogenetic location: Xq22.1.
Variant type: single nucleotide variant.
Coding change: c.445A>T on transcript NM_001939.3 (MANE Select); coding-DNA position 445, A replaced by T.
Protein change: p.Met149Leu; replaces methionine 149 with leucine.
Molecular consequence: missense variant.
Genome position (GRCh38, 1-based): chrX:101,238,987, A>T. VCF-style: chrX-101238987-A-T. GRCh37 (hg19) VCF-style: chrX-100493976-A-T.
Other names: c.445A>T (NM_001939.2); c.211A>T, p.Met71Leu (NM_001171184.2); short protein forms M149L, M71L.
Identifiers: ClinVar variation 2839629 (VCV002839629.4), dbSNP rs755490905, ClinGen allele CA413913699.

ClinVar aggregate classification (germline): Uncertain significance (1 of 4 stars; one submission).

Conditions:
Charcot-Marie-Tooth disease. Also called: Charcot-Marie-Tooth Neuropathy; Charcot-Marie-Tooth Hereditary Neuropathy. Identifiers: Orphanet 166, MedGen C0007959, MONDO:0015626.

Submission:

Labcorp Genetics (formerly Invitae), Labcorp
Classification: Uncertain significance. Last evaluated: 2023-04-19. Review status: criteria provided, single submitter. Criteria: Invitae Variant Classification Sherloc (09022015). Collection method: clinical testing. Allele origin: germline.
Comment: This sequence change replaces methionine, which is neutral and non-polar, with leucine, which is neutral and non-polar, at codon 149 of the DRP2 protein (p.Met149Leu). This variant is not present in population databases (gnomAD no frequency). This variant has not been reported in the literature in individuals affected with DRP2-related conditions. Advanced modeling of protein sequence and biophysical properties (such as structural, functional, and spatial information, amino acid conservation, physicochemical variation, residue mobility, and thermodynamic stability) performed at Invitae indicates that this missense variant is not expected to disrupt DRP2 protein function. In summary, the available evidence is currently insufficient to determine the role of this variant in disease. Therefore, it has been classified as a Variant of Uncertain Significance.